The following is an entry in ClinVar:

NM_000441.2(SLC26A4):c.372_379del (p.Thr126fs)

Gene: SLC26A4 (solute carrier family 26 member 4; plus strand). Cytogenetic location: 7q22.3.
Variant type: Deletion.
Coding change: c.372_379del on transcript NM_000441.2 (MANE Select); coding-DNA positions 372 to 379, 8 bases deleted (CCTGACAT; older notation c.372_379delCCTGACAT).
Protein change: p.Thr126fs; shifts the reading frame from threonine 126.
Molecular consequence: frameshift variant.
Genome position (GRCh38, 1-based): chr7:107,672,205-107,672,212, CCTGACAT deleted; deleting any 8 consecutive bases within chr7:107,672,203-107,672,212 gives the same sequence; the c. name uses the placement nearest the transcript's 3' end. VCF-style (leftmost placement, unchanged base first): chr7-107672202-TATCCTGAC-T. GRCh37 (hg19) VCF-style: chr7-107312647-TATCCTGAC-T.
Other names: short protein forms T126fs.
Identifiers: ClinVar variation 5012620 (VCV005012620.1).
Genomic context (GRCh38, chr7:107,672,202, plus strand): 5'-GGCATATGCCCTACTAGCTGCAGTTCCTGTCGGATATGGTCTCTACTCTGCTTTTTTCCC[TATCCTGAC>T]ATACTTTATCTTTGGAACATCAAGACATATCTCAGTTGGTAATTATAAGTATATTTTACA-3'

ClinVar aggregate classification (germline): Pathogenic (1 of 4 stars; one submission).

Conditions:
Pendred syndrome (PDS). Also called: Pendred Syndrome (PDS); DEAFNESS WITH GOITER; GOITER-DEAFNESS SYNDROME; HYPOTHYROIDISM, CONGENITAL, DUE TO DYSHORMONOGENESIS, 2B; THYROID DYSHORMONOGENESIS 2B; THYROID HORMONOGENESIS, GENETIC DEFECT IN, 2B. Identifiers: Orphanet 705, MedGen C0271829, MONDO:0010134, OMIM 274600.

Submission:

Myriad Genetics, Inc.
Classification: Pathogenic for Pendred syndrome. Last evaluated: 2023-12-31. Review status: criteria provided, single submitter. Criteria: Myriad Autosomal Dominant, Autosomal Recessive and X-Linked Classification Criteria (2023). Collection method: clinical testing. Allele origin: unknown.
Comment: NM_000441.1(SLC26A4):c.372_379del8(T126Yfs*53) is expected to be pathogenic in the context of Pendred syndrome. This variant is predicted to lead to an abnormal or absent protein product due to the creation of a premature termination codon in SLC26A4, a gene where loss-of-function variants are known to be pathogenic. Please note: this variant was assessed in the context of healthy population screening.